The following is an entry in ClinVar:

ClinVar aggregate classification (germline): Pathogenic (1 of 4 stars; one submission).

Conditions:
Hereditary cancer-predisposing syndrome. Also called: Tumor predisposition; Hereditary neoplastic syndrome; Neoplastic Syndromes, Hereditary; Hereditary Cancer Syndrome. Identifiers: Orphanet 140162, MedGen C0027672, MeSH D009386, MONDO:0015356.

Submission:

Ambry Genetics
Classification: Pathogenic for Hereditary cancer-predisposing syndrome. Last evaluated: 2025-04-14. Review status: criteria provided, single submitter. Criteria: Ambry Variant Classification Scheme 2023. Collection method: clinical testing. Allele origin: germline.
Comment: The c.4351delG pathogenic mutation, located in coding exon 11 of the BRCA1 gene, results from a deletion of one nucleotide at nucleotide position 4351, causing a translational frameshift with a predicted alternate stop codon (p.E1451Kfs*5). This variant is considered to be rare based on population cohorts in the Genome Aggregation Database (gnomAD). This alteration is expected to result in loss of function by premature protein truncation or nonsense-mediated mRNA decay. As such, this alteration is interpreted as a disease-causing mutation.

NM_007294.4(BRCA1):c.4351del (p.Glu1451fs)

Gene: BRCA1 (BRCA1 DNA repair associated; minus strand). Cytogenetic location: 17q21.31.
Variant type: Deletion.
Coding change: c.4351del on transcript NM_007294.4 (MANE Select); coding-DNA position 4351, one base deleted (G; older notation c.4351delG).
Protein change: p.Glu1451fs; shifts the reading frame from glutamic acid 1451.
Molecular consequence: frameshift variant.
Genome position (GRCh38, 1-based): chr17:43,082,410, C deleted on the plus strand (G on the coding strand, the reverse complement: BRCA1 is on the minus strand). VCF-style (leftmost placement, unchanged base first): chr17-43082409-TC-T. GRCh37 (hg19) VCF-style: chr17-41234426-TC-T.
Other names: c.4141del, p.Glu1381fs (NM_001407887.1, NM_001407889.1, NM_001407879.1 and 9 more transcripts); c.1042del, p.Glu348fs (NM_001407978.1, NM_007298.4, NM_007299.4 and 8 more transcripts); c.4225del, p.Glu1409fs (NM_001407649.1, NM_001407670.1, NM_001407671.1 and 12 more transcripts); c.1039del, p.Glu347fs (NM_001407979.1, NM_001407981.1, NM_001407982.1 and 18 more transcripts); c.4351del, p.Glu1451fs (NM_001407652.1, NM_001407859.1, NM_001407684.1 and 23 more transcripts); c.4138del, p.Glu1380fs (NM_001407898.1, NM_001407899.1, NM_001407895.1 and 12 more transcripts); c.4273del, p.Glu1425fs (NM_001407658.1, NM_001407654.1, NM_001407653.1 and 2 more transcripts); c.4270del, p.Glu1424fs (NM_001407656.1, NM_001407661.1, NM_001407662.1 and 1 more transcripts); and 51 more; short protein forms E1339fs, E1340fs, E1379fs, E1384fs, E1402fs, E1410fs, E180fs, E237fs.
Identifiers: ClinVar variation 3992598 (VCV003992598.1).